The following is an entry in ClinVar:

NM_004380.3(CREBBP):c.5552G>A (p.Arg1851His)

Gene: CREBBP (CREB binding lysine acetyltransferase; minus strand). Cytogenetic location: 16p13.3.
Variant type: single nucleotide variant.
Coding change: c.5552G>A on transcript NM_004380.3 (MANE Select); coding-DNA position 5552, G replaced by A.
Protein change: p.Arg1851His; replaces arginine 1851 with histidine.
Molecular consequence: missense variant.
Genome position (GRCh38, 1-based): chr16:3,729,495, C>T on the plus strand (G>A on the coding strand, the complement: CREBBP is on the minus strand). VCF-style: chr16-3729495-C-T. GRCh37 (hg19) VCF-style: chr16-3779496-C-T.
Other names: c.5552G>A (NM_004380.2); c.5438G>A, p.Arg1813His (NM_001079846.1); short protein forms R1813H, R1851H.
Identifiers: ClinVar variation 4753946 (VCV004753946.2).

ClinVar aggregate classification (germline): Conflicting classifications of pathogenicity. Review status: criteria provided, conflicting classifications (1 of 4 stars). 2 submissions from 2 submitters: Pathogenic (1); Uncertain significance (1). Last evaluated 2026-02-11.

Conditions:
Rubinstein-Taybi syndrome (RSTS). Identifiers: Orphanet 783, MedGen C0035934, MONDO:0019188.

gnomAD v4.1: 2 of 1,614,026 alleles (0.00012%); highest among the groups gnomAD compares: Non-Finnish European, 0.00017%; no homozygotes.

Submissions (2):

GeneDx
Classification: Pathogenic. Last evaluated: 2026-02-11. Review status: criteria provided, single submitter. Criteria: GeneDx Variant Classification Process June 2021. Collection method: clinical testing. Allele origin: germline.
Comment: Identified apparently de novo in a patient with clinical features consistent with a CREBBP-related disorder (PMID: 38553851); Identified in an individual with common variable immunodeficiency and mild dysmorphic features consistent with a CREBBP-related disorder. This individual did not have intellectual disability (PMID: 35833092); In silico analysis supports that this missense variant has a deleterious effect on protein structure/function; This variant is associated with the following publications: (PMID: 27311832, 35833092, 38553851)

Labcorp Genetics (formerly Invitae), Labcorp
Classification: Uncertain significance for Rubinstein-Taybi syndrome. Last evaluated: 2025-06-26. Review status: criteria provided, single submitter. Criteria: Invitae Variant Classification Sherloc (09022015). Collection method: clinical testing. Allele origin: germline.
Comment: This sequence change replaces arginine, which is basic and polar, with histidine, which is basic and polar, at codon 1851 of the CREBBP protein (p.Arg1851His). This variant is not present in population databases (gnomAD no frequency). This missense change has been observed in individual(s) with clinical features of Rubinstein–Taybi syndrome (PMID: 35833092). Invitae Evidence Modeling of protein sequence and biophysical properties (such as structural, functional, and spatial information, amino acid conservation, physicochemical variation, residue mobility, and thermodynamic stability) indicates that this missense variant is not expected to disrupt CREBBP protein function with a negative predictive value of 95%. In summary, the available evidence is currently insufficient to determine the role of this variant in disease. Therefore, it has been classified as a Variant of Uncertain Significance.

Literature cited by the submitters: PubMed 35833092 (cited by Labcorp Genetics (formerly Invitae), Labcorp).